The following is an entry in ClinVar:

ClinVar aggregate classification (germline): Uncertain significance. Review status: criteria provided, multiple submitters, no conflicts (2 of 4 stars). 2 submissions from 2 submitters: Uncertain significance (2). Last evaluated 2026-02-01.

Conditions:
Capillary malformation-arteriovenous malformation syndrome. Also called: Capillary malformation-arteriovenous malformation. Identifiers: Orphanet 137667, MedGen C1842180, MONDO:0012016.
Capillary malformation-arteriovenous malformation 1 (CMAVM1). Identifiers: Orphanet 137667, Orphanet 693907, MedGen C4747394, MONDO:0020783, OMIM 608354.

Submissions (2):

Labcorp Genetics (formerly Invitae), Labcorp
Classification: Uncertain significance for Capillary malformation-arteriovenous malformation syndrome. Last evaluated: 2026-02-01. Review status: criteria provided, single submitter. Criteria: Invitae Variant Classification Sherloc (09022015). Collection method: clinical testing. Allele origin: germline.
Comment: This variant, c.285_305del, results in the deletion of 7 amino acid(s) of the RASA1 protein (p.Ala100_Ala106del), but otherwise preserves the integrity of the reading frame. This variant is present in population databases (rs778745822, gnomAD 0.009%). This variant has been observed in individual(s) with vascular malformations (PMID: 28655553). ClinVar contains an entry for this variant (Variation ID: 992751). Experimental studies and prediction algorithms are not available or were not evaluated, and the functional significance of this variant is currently unknown. In summary, the available evidence is currently insufficient to determine the role of this variant in disease. Therefore, it has been classified as a Variant of Uncertain Significance.

New York Genome Center
Classification: Uncertain significance for Capillary malformation-arteriovenous malformation 1. Last evaluated: 2019-09-13. Review status: criteria provided, single submitter. Criteria: NYGC Assertion Criteria 2020. Collection method: clinical testing. Allele origin: inherited. Observed: 1 heterozygote. Study: CSER-NYCKidSeq.

Literature cited by the submitters: PubMed 28655553 (cited by Labcorp Genetics (formerly Invitae), Labcorp).

NM_002890.3(RASA1):c.285_305del (p.93AGVAGAA[1])

Gene: RASA1 (RAS p21 protein activator 1; plus strand). Cytogenetic location: 5q14.3.
Variant type: Deletion.
Coding change: c.285_305del on transcript NM_002890.3 (MANE Select); coding-DNA positions 285 to 305, 21 bases deleted (AGCTGGTGCTGCTGCTGGCGT).
Protein change: p.93AGVAGAA[1].
Molecular consequence: inframe deletion.
Genome position (GRCh38, 1-based): chr5:87,268,736-87,268,756, AGCTGGTGCTGCTGCTGGCGT deleted; deleting any 21 consecutive bases within chr5:87,268,723-87,268,756 gives the same sequence; the c. name uses the placement nearest the transcript's 3' end. VCF-style (leftmost placement, unchanged base first): chr5-87268722-ACTGCTGCTGGCGTAGCTGGTG-A. GRCh37 (hg19) VCF-style: chr5-86564539-ACTGCTGCTGGCGTAGCTGGTG-A.
Identifiers: ClinVar variation 992751 (VCV000992751.10), dbSNP rs745572583, ClinGen allele CA3335381.